The following is an entry in ClinVar:

NM_001159699.2(FHL1):c.573_576del (p.Tyr192fs)

Gene: FHL1 (four and a half LIM domains 1; plus strand). Cytogenetic location: Xq26.3.
Variant type: Deletion.
Coding change: c.573_576del on transcript NM_001159699.2 (MANE Select); coding-DNA positions 573 to 576, 4 bases deleted (TTAC; older notation c.573_576delTTAC).
Protein change: p.Tyr192fs; shifts the reading frame from tyrosine 192.
Molecular consequence: frameshift variant. On other transcripts: non-coding transcript variant (1), intron variant (2).
Genome position (GRCh38, 1-based): chrX:136,208,478-136,208,481, TTAC deleted; deleting any 4 consecutive bases within chrX:136,208,476-136,208,481 gives the same sequence; the c. name uses the placement nearest the transcript's 3' end. VCF-style (leftmost placement, unchanged base first): chrX-136208475-CACTT-C. GRCh37 (hg19) VCF-style: chrX-135290634-CACTT-C.
Other names: c.525_528del, p.Tyr176fs (NM_001369330.1, NM_001369331.1, NM_001449.5 and 8 more transcripts); c.573_576del, p.Tyr192fs (NM_001440769.1); c.501+517_501+520del (NM_001159703.2); c.549+517_549+520del (NM_001330659.2); c.612_615del, p.Tyr205fs (NM_001159701.2); short protein forms Y176fs, Y192fs, Y205fs.
Identifiers: ClinVar variation 4704146 (VCV004704146.1).

ClinVar aggregate classification (germline): Pathogenic (1 of 4 stars; one submission).

Conditions:
X-linked myopathy with postural muscle atrophy. Also called: FHL1-Related Emery-Dreifuss Muscular Dystrophy, X-Linked. Identifiers: Orphanet 178461, MedGen C2678055, MONDO:0010401, OMIM 300696.

Submission:

Labcorp Genetics (formerly Invitae), Labcorp
Classification: Pathogenic for X-linked myopathy with postural muscle atrophy. Last evaluated: 2025-10-21. Review status: criteria provided, single submitter. Criteria: Invitae Variant Classification Sherloc (09022015). Collection method: clinical testing. Allele origin: germline.
Comment: This sequence change creates a premature translational stop signal (p.Tyr176Argfs*81) in the FHL1 gene. While this is not anticipated to result in nonsense mediated decay, it is expected to disrupt the last 105 amino acid(s) of the FHL1 protein. This variant is not present in population databases (gnomAD no frequency). This variant has not been reported in the literature in individuals affected with FHL1-related conditions. This variant disrupts a region of the FHL1 protein in which other variant(s) (p.Cys209Thrfs*50) have been determined to be pathogenic (internal data). This suggests that this is a clinically significant region of the protein, and that variants that disrupt it are likely to be disease-causing. For these reasons, this variant has been classified as Pathogenic.